The following is an entry in ClinVar:

ClinVar aggregate classification (germline): Uncertain significance (1 of 4 stars; one submission).

Conditions:
Hereditary cancer-predisposing syndrome. Also called: Hereditary neoplastic syndrome; Tumor predisposition; Hereditary Cancer Syndrome; Neoplastic Syndromes, Hereditary. Identifiers: Orphanet 140162, MedGen C0027672, MeSH D009386, MONDO:0015356.

Submission:

Ambry Genetics
Classification: Uncertain significance for Hereditary cancer-predisposing syndrome. Last evaluated: 2023-07-09. Review status: criteria provided, single submitter. Criteria: Ambry Variant Classification Scheme 2023. Collection method: clinical testing. Allele origin: germline.
Comment: The p.S691N variant (also known as c.2072G>A), located in coding exon 12 of the ALK gene, results from a G to A substitution at nucleotide position 2072. The serine at codon 691 is replaced by asparagine, an amino acid with highly similar properties. This amino acid position is conserved. In addition, this alteration is predicted to be tolerated by in silico analysis. Since supporting evidence is limited at this time, the clinical significance of this alteration remains unclear.

NM_004304.5(ALK):c.2072G>A (p.Ser691Asn)

Gene: ALK (ALK receptor tyrosine kinase; minus strand). Cytogenetic location: 2p23.2.
Variant type: single nucleotide variant.
Coding change: c.2072G>A on transcript NM_004304.5 (MANE Select); coding-DNA position 2072, G replaced by A.
Protein change: p.Ser691Asn; replaces serine 691 with asparagine.
Molecular consequence: missense variant.
Genome position (GRCh38, 1-based): chr2:29,251,237, C>T on the plus strand (G>A on the coding strand, the complement: ALK is on the minus strand). VCF-style: chr2-29251237-C-T. GRCh37 (hg19) VCF-style: chr2-29474103-C-T.
Other names: short protein forms S691N.
Identifiers: ClinVar variation 2586681 (VCV002586681.2), dbSNP rs2148197617, ClinGen allele CA346477158.